The following is an entry in ClinVar:

NM_000465.4(BARD1):c.1276C>A (p.His426Asn)

Gene: BARD1 (BRCA1 associated RING domain 1; minus strand). Cytogenetic location: 2q35.
Variant type: single nucleotide variant.
Coding change: c.1276C>A on transcript NM_000465.4 (MANE Select); coding-DNA position 1276, C replaced by A.
Protein change: p.His426Asn; replaces histidine 426 with asparagine.
Molecular consequence: missense variant. On other transcripts: non-coding transcript variant (2), intron variant (3).
Genome position (GRCh38, 1-based): chr2:214,780,598, G>T on the plus strand (C>A on the coding strand, the complement: BARD1 is on the minus strand). VCF-style: chr2-214780598-G-T. GRCh37 (hg19) VCF-style: chr2-215645322-G-T.
Other names: c.1219C>A, p.His407Asn (NM_001282543.2); c.159-28043C>A (NM_001282548.2); c.215+16463C>A (NM_001282545.2); c.364+11699C>A (NM_001282549.2); short protein forms H426N, H407N.
Identifiers: ClinVar variation 856577 (VCV000856577.10), dbSNP rs786203499, ClinGen allele CA350453432.

ClinVar aggregate classification (germline): Uncertain significance (1 of 4 stars; one submission).

Conditions:
Familial cancer of breast. Also called: hereditary breast carcinoma; BREAST CANCER, FAMILIAL; Hereditary breast cancer. Identifiers: Orphanet 227535, MedGen C0346153, MONDO:0016419, OMIM 114480. Disease mechanism: loss of function.

Submission:

Labcorp Genetics (formerly Invitae), Labcorp
Classification: Uncertain significance for Familial cancer of breast. Last evaluated: 2019-04-09. Review status: criteria provided, single submitter. Criteria: Invitae Variant Classification Sherloc (09022015). Collection method: clinical testing. Allele origin: germline.
Comment: In summary, the available evidence is currently insufficient to determine the role of this variant in disease. Therefore, it has been classified as a Variant of Uncertain Significance. Algorithms developed to predict the effect of missense changes on protein structure and function are either unavailable or do not agree on the potential impact of this missense change (SIFT: "Deleterious"; PolyPhen-2: "Benign"; Align-GVGD: "Class C15"). This variant has not been reported in the literature in individuals with BARD1-related conditions. This variant is not present in population databases (ExAC no frequency). This sequence change replaces histidine with asparagine at codon 426 of the BARD1 protein (p.His426Asn). The histidine residue is highly conserved and there is a small physicochemical difference between histidine and asparagine.